The following is an entry in ClinVar:

ClinVar aggregate classification (germline): Benign. Review status: criteria provided, multiple submitters, no conflicts (2 of 4 stars). 3 submissions from 3 submitters: Benign (3). Last evaluated 2018-06-29.

Conditions:
Autosomal recessive nonsyndromic hearing loss 3. Also called: NEUROSENSORY NONSYNDROMIC RECESSIVE DEAFNESS 3. Identifiers: Orphanet 90636, MedGen C1838263, MONDO:0010860, OMIM 600316.

Allele frequency attached by ClinVar (database versions not stated): gnomAD 0.45498; TOPMed 0.47032; 1000 Genomes Project 30x 0.60603; 1000 Genomes Project 0.60703.
gnomAD v4.1: 595,822 of 1,597,042 alleles (37%); highest among the groups gnomAD compares: South Asian, 70%; 124,247 homozygotes.

Submissions (3):

GeneDx
Classification: Benign. Last evaluated: 2018-06-29. Review status: criteria provided, single submitter. Criteria: GeneDx Variant Classification Process June 2021. Collection method: clinical testing. Allele origin: germline. Affected: yes.

Illumina Laboratory Services, Illumina
Classification: Benign for Autosomal recessive nonsyndromic hearing loss 3. Last evaluated: 2018-01-12. Review status: criteria provided, single submitter. Criteria: ICSL Variant Classification Criteria 13 December 2019. Collection method: clinical testing. Allele origin: germline.
Comment: This variant was observed in the ICSL laboratory as part of a predisposition screen in an ostensibly healthy population. It had not been previously curated by ICSL or reported in the Human Gene Mutation Database (HGMD: prior to June 1st, 2018), and was therefore a candidate for classification through an automated scoring system. Utilizing variant allele frequency, disease prevalence and penetrance estimates, and inheritance mode, an automated score was calculated to assess if this variant is too frequent to cause the disease. Based on the score and internal cut-off values, a variant classified as benign is not then subjected to further curation. The score for this variant resulted in a classification of benign for this disease.

Breakthrough Genomics
Classification: Benign. Review status: criteria provided, single submitter. Criteria: ACMG Guidelines, 2015. Collection method: not provided. Allele origin: germline. Inheritance: Autosomal recessive inheritance. Affected: yes.

NM_016239.4(MYO15A):c.-76A>C

Gene: MYO15A (myosin XVA; plus strand). Cytogenetic location: 17p11.2.
Variant type: single nucleotide variant.
Coding change: c.-76A>C on transcript NM_016239.4 (MANE Select); 76 bases upstream of the start codon, A replaced by C.
Molecular consequence: 5 prime UTR variant.
Genome position (GRCh38, 1-based): chr17:18,118,725, A>C. VCF-style: chr17-18118725-A-C. GRCh37 (hg19) VCF-style: chr17-18022039-A-C.
Identifiers: ClinVar variation 322106 (VCV000322106.8), dbSNP rs854818, ClinGen allele CA10648743.